The following is an entry in ClinVar:

NM_001843.4(CNTN1):c.2710+296A>G

Gene: CNTN1 (contactin 1; plus strand). Cytogenetic location: 12q12.
Variant type: single nucleotide variant.
Coding change: c.2710+296A>G on transcript NM_001843.4 (MANE Select); 296 bases into the intron after coding-DNA position 2710, A replaced by G.
Molecular consequence: intron variant.
Genome position (GRCh38, 1-based): chr12:41,025,632, A>G. VCF-style: chr12-41025632-A-G. GRCh37 (hg19) VCF-style: chr12-41419434-A-G.
Other names: c.2677+296A>G (NM_175038.2).
Identifiers: ClinVar variation 673685 (VCV000673685.1), dbSNP rs34016463, ClinGen allele CA235948585.

ClinVar aggregate classification (germline): Likely benign (1 of 4 stars; one submission).

Allele frequency attached by ClinVar (database versions not stated): 1000 Genomes Project 30x 0.01608; 1000 Genomes Project 0.01697; TOPMed 0.02185; gnomAD 0.02412 and 0.02520.
gnomAD v4.1: 3,662 of 152,314 alleles (2.4%); highest among the groups gnomAD compares: African/African-American, 3.1%; 70 homozygotes.

Submission:

GeneDx
Classification: Likely benign. Last evaluated: 2018-06-16. Review status: criteria provided, single submitter. Criteria: GeneDx Variant Classification (06012015). Collection method: clinical testing. Allele origin: germline. Affected: yes.
Comment: This variant is considered likely benign or benign based on one or more of the following criteria: it is a conservative change, it occurs at a poorly conserved position in the protein, it is predicted to be benign by multiple in silico algorithms, and/or has population frequency not consistent with disease.